The following is an entry in ClinVar:

NM_001283009.2(RTEL1):c.3335T>C (p.Leu1112Pro)

Genes: RTEL1 (regulator of telomere elongation helicase 1; plus strand), RTEL1-TNFRSF6B (RTEL1-TNFRSF6B readthrough (NMD candidate); plus strand). Cytogenetic location: 20q13.33.
Variant type: single nucleotide variant.
Coding change: c.3335T>C on transcript NM_001283009.2 (MANE Select); coding-DNA position 3335, T replaced by C.
Protein change: p.Leu1112Pro; replaces leucine 1112 with proline.
Molecular consequence: missense variant. On other transcripts: non-coding transcript variant (1).
Genome position (GRCh38, 1-based): chr20:63,694,966, T>C. VCF-style: chr20-63694966-T-C. GRCh37 (hg19) VCF-style: chr20-62326319-T-C.
Other names: c.2666T>C, p.Leu889Pro (NM_001283010.1); c.3335T>C, p.Leu1112Pro (NM_016434.4); c.3407T>C, p.Leu1136Pro (NM_032957.5); short protein forms L1112P, L889P, L1136P.
Identifiers: ClinVar variation 3948439 (VCV003948439.1).

ClinVar aggregate classification (germline): Uncertain significance (1 of 4 stars; one submission).

Conditions:
Inborn genetic diseases. Identifiers: MedGen C0950123, MeSH D030342.

Submission:

Ambry Genetics
Classification: Uncertain significance for Inborn genetic diseases. Last evaluated: 2025-05-31. Review status: criteria provided, single submitter. Criteria: Ambry Variant Classification Scheme 2023. Collection method: clinical testing. Allele origin: germline.
Comment: The p.L1112P variant (also known as c.3335T>C), located in coding exon 31 of the RTEL1 gene, results from a T to C substitution at nucleotide position 3335. The leucine at codon 1112 is replaced by proline, an amino acid with similar properties. This amino acid position is conserved. In addition, this alteration is predicted to be deleterious by in silico analysis. Based on the available evidence, the clinical significance of this variant remains unclear.